The following is an entry in ClinVar:

Conditions:
Breast-ovarian cancer, familial, susceptibility to, 1 (BROVCA1). Also called: BRCA1 Hereditary Breast and Ovarian Cancer; OVARIAN CANCER, SUSCEPTIBILITY TO. Identifiers: Orphanet 145, MedGen C2676676, MONDO:0011450, OMIM 604370. Disease mechanism: loss of function.

Submission:

Brotman Baty Institute, University of Washington
No classification provided (evidence only). Condition: Breast-ovarian cancer, familial 1. Review status: no classification provided. Collection method: in vitro. Allele origin: not applicable. Functional consequence: functionally_normal.
ClinVar note: "not provided" was previously submitted as the classification for the variant. However, the classification appeared to be based only on an observation of functional data so it was converted to no classification on 2025-07-30.

NM_007294.4(BRCA1):c.5278A>G (p.Ile1760Val)

Gene: BRCA1 (BRCA1 DNA repair associated; minus strand). Cytogenetic location: 17q21.31.
Variant type: single nucleotide variant.
Coding change: c.5278A>G on transcript NM_007294.4 (MANE Select); coding-DNA position 5278, A replaced by G.
Protein change: p.Ile1760Val; replaces isoleucine 1760 with valine.
Molecular consequence: missense variant. On other transcripts: non-coding transcript variant (1).
Genome position (GRCh38, 1-based): chr17:43,051,117, T>C on the plus strand (A>G on the coding strand, the complement: BRCA1 is on the minus strand). VCF-style: chr17-43051117-T-C. GRCh37 (hg19) VCF-style: chr17-41203134-T-C.
Other names: c.5137A>G, p.Ile1713Val (NM_001407697.1, NM_001407698.1, NM_001407724.1 and 13 more transcripts); c.5134A>G, p.Ile1712Val (NM_001407741.1, NM_001407742.1, NM_001407743.1 and 21 more transcripts); c.5131A>G, p.Ile1711Val (NM_001407846.1, NM_001407847.1, NM_001407848.1 and 12 more transcripts); c.5278A>G, p.Ile1760Val (NM_001407854.1, NM_001407593.1, NM_001407594.1 and 6 more transcripts); c.5275A>G, p.Ile1759Val (NM_001407858.1, NM_001407859.1, NM_001407860.1 and 17 more transcripts); c.5068A>G, p.Ile1690Val (NM_001407882.1, NM_001407884.1, NM_001407885.1 and 5 more transcripts); c.5065A>G, p.Ile1689Val (NM_001407894.1, NM_001407895.1, NM_001407896.1 and 12 more transcripts); c.5062A>G, p.Ile1688Val (NM_001407915.1, NM_001407916.1, NM_001407917.1 and 1 more transcripts); and 72 more; short protein forms I1713V, I1760V, I1781V, I656V, I1463V, I1591V, I1606V, I1633V.
Identifiers: ClinVar variation 868285 (VCV000868285.3), dbSNP rs2051214609, ClinGen allele CA10590990.